The following is an entry in ClinVar:

NM_024496.4(IRF2BPL):c.1293C>G (p.Tyr431Ter)

Gene: IRF2BPL (interferon regulatory factor 2 binding protein like; minus strand). Cytogenetic location: 14q24.3.
Variant type: single nucleotide variant.
Coding change: c.1293C>G on transcript NM_024496.4 (MANE Select); coding-DNA position 1293, C replaced by G.
Protein change: p.Tyr431Ter; replaces tyrosine 431 with a stop codon.
Molecular consequence: nonsense.
Genome position (GRCh38, 1-based): chr14:77,026,500, G>C on the plus strand (C>G on the coding strand, the complement: IRF2BPL is on the minus strand). VCF-style: chr14-77026500-G-C. GRCh37 (hg19) VCF-style: chr14-77492843-G-C.
Other names: short protein forms Y431*.
Identifiers: ClinVar variation 2584508 (VCV002584508.1), dbSNP rs2503075934, ClinGen allele CA390494965.

ClinVar aggregate classification (germline): Likely pathogenic (1 of 4 stars; one submission).

Conditions:
Neurodevelopmental disorder with regression, abnormal movements, loss of speech, and seizures. Identifiers: Orphanet 597623, MedGen C4748127, MONDO:0060759, OMIM 618088.

Submission:

Rady Children's Institute for Genomic Medicine, Rady Children's Hospital San Diego
Classification: Likely pathogenic for NEURODEVELOPMENTAL DISORDER WITH REGRESSION, ABNORMAL MOVEMENTS, LOSS OF SPEECH, AND SEIZURES. Review status: criteria provided, single submitter. Criteria: ACMG Guidelines, 2015. Collection method: clinical testing. Allele origin: germline. Affected: yes.
Comment: This nonsense variant found in exon 1 of 1 is predicted to result in loss of normal protein function through either protein truncation or nonsense-mediated mRNA decay (NMD). This variant has not been previously reported or functionally characterized in the literature to our knowledge. It is absent from the gnomAD population database and thus is presumed to be rare. The c.1293C>G (p.Tyr431Ter) variant is predicted by multiple in silico tools to have a deleterious effect on protein function. Loss-of-function variation in IRF2BPL is an established mechanism of disease (PMID: 30057031, 30166628, 31432588). To our knowledge, all reported variants in the literature have been de novo when parental samples were available (MIM: #618088; PMID: 30057031, 30166628). Based on the available evidence, the c.1293C>G (p.Tyr431Ter) variant is classified as Likely Pathogenic.